The following is an entry in ClinVar:

ClinVar aggregate classification (germline): Uncertain significance. Review status: criteria provided, multiple submitters, no conflicts (2 of 4 stars). 3 submissions from 3 submitters: Uncertain significance (3). Last evaluated 2026-05-25.

Conditions:
Cardiovascular phenotype. Identifiers: MedGen CN230736.
Atrioventricular septal defect 4 (AVSD4). Identifiers: MedGen C3280781, MONDO:0013747, OMIM 614430.

Allele frequency attached by ClinVar (database versions not stated): TOPMed below 0.00001; gnomAD 0.00001.

Submissions (3):

GeneDx
Classification: Uncertain significance. Last evaluated: 2026-05-25. Review status: criteria provided, single submitter. Criteria: GeneDx Variant Classification Process June 2021. Collection method: clinical testing. Allele origin: germline.
Comment: Not observed at significant frequency in large population cohorts (gnomAD); In silico analysis suggests that this missense variant does not alter protein structure/function; Has not been previously published as pathogenic or benign to our knowledge

Ambry Genetics
Classification: Uncertain significance for Cardiovascular phenotype. Last evaluated: 2024-11-13. Review status: criteria provided, single submitter. Criteria: Ambry Variant Classification Scheme 2023. Collection method: clinical testing. Allele origin: germline.
Comment: The p.G153S variant (also known as c.457G>A), located in coding exon 1 of the GATA4 gene, results from a G to A substitution at nucleotide position 457. The glycine at codon 153 is replaced by serine, an amino acid with similar properties. This amino acid position is conserved. In addition, this alteration is predicted to be tolerated by in silico analysis. Based on the available evidence, the clinical significance of this variant remains unclear.

Labcorp Genetics (formerly Invitae), Labcorp
Classification: Uncertain significance for Atrioventricular septal defect 4. Last evaluated: 2024-05-06. Review status: criteria provided, single submitter. Criteria: Invitae Variant Classification Sherloc (09022015). Collection method: clinical testing. Allele origin: germline.
Comment: This sequence change replaces glycine, which is neutral and non-polar, with serine, which is neutral and polar, at codon 153 of the GATA4 protein (p.Gly153Ser). This variant is not present in population databases (gnomAD no frequency). This variant has not been reported in the literature in individuals affected with GATA4-related conditions. ClinVar contains an entry for this variant (Variation ID: 539982). Advanced modeling of protein sequence and biophysical properties (such as structural, functional, and spatial information, amino acid conservation, physicochemical variation, residue mobility, and thermodynamic stability) performed at Invitae indicates that this missense variant is not expected to disrupt GATA4 protein function with a negative predictive value of 80%. In summary, the available evidence is currently insufficient to determine the role of this variant in disease. Therefore, it has been classified as a Variant of Uncertain Significance.

NM_001308093.3(GATA4):c.457G>A (p.Gly153Ser)

Gene: GATA4 (GATA binding protein 4). Cytogenetic location: 8p23.1.
Variant type: single nucleotide variant.
Coding change: c.457G>A on transcript NM_001308093.3 (MANE Select); coding-DNA position 457, G replaced by A.
Protein change: p.Gly153Ser; replaces glycine 153 with serine.
Molecular consequence: missense variant. On other transcripts: intron variant (3).
Genome position (GRCh38, 1-based): chr8:11,708,769, G>A. VCF-style: chr8-11708769-G-A. GRCh37 (hg19) VCF-style: chr8-11566278-G-A.
Other names: c.457G>A, p.Gly153Ser (NM_002052.5); c.-6+7991G>A (NM_001308094.2); c.-3+755G>A (NM_001374274.1); c.-3+4465G>A (NM_001374273.1); short protein forms G153S.
Identifiers: ClinVar variation 539982 (VCV000539982.11), dbSNP rs1554488611, ClinGen allele CA370309660.